The following is an entry in ClinVar:

NM_006363.6(SEC23B):c.53G>A (p.Arg18His)

Gene: SEC23B (SEC23 homolog B, COPII component; plus strand). Cytogenetic location: 20p11.23.
Variant type: single nucleotide variant.
Coding change: c.53G>A on transcript NM_006363.6 (MANE Select); coding-DNA position 53, G replaced by A.
Protein change: p.Arg18His; replaces arginine 18 with histidine.
Molecular consequence: missense variant.
Genome position (GRCh38, 1-based): chr20:18,510,888, G>A. VCF-style: chr20-18510888-G-A. GRCh37 (hg19) VCF-style: chr20-18491532-G-A.
Other names: c.53G>A, p.Arg18His (NM_001172745.3, NM_001172746.3, NM_032985.6 and 1 more transcripts); c.53G>A (NM_006363.4); short protein forms R18H.
Identifiers: ClinVar variation 1701418 (VCV001701418.45), dbSNP rs905074313, ClinGen allele CA312389151.

ClinVar aggregate classification (germline): Conflicting classifications of pathogenicity. Review status: criteria provided, conflicting classifications (1 of 4 stars). 11 submissions from 11 submitters: Pathogenic (1); Likely pathogenic (8); Uncertain significance (2). Last evaluated 2026-03-23.

Conditions:
SEC23B-related disorder. Also called: SEC23B-related disorders; SEC23B-related condition.
Congenital dyserythropoietic anemia, type II (CDAN2). Also called: DYSERYTHROPOIETIC ANEMIA, HEMPAS TYPE. Identifiers: Orphanet 98873, MedGen C1306589, MONDO:0009134, OMIM 224100.
Cowden syndrome 7 (CWS7). Identifiers: Orphanet 201, MedGen C4225179, MONDO:0014802, OMIM 616858.

Allele frequency attached by ClinVar (database versions not stated): gnomAD exomes 0.00001 and 0.00002; TOPMed 0.00002; gnomAD 0.00004 and 0.00005.
gnomAD v4.1: 30 of 1,614,054 alleles (0.0019%); highest among the groups gnomAD compares: Admixed American, 0.0083%; no homozygotes.

Submissions (11):

PreventionGenetics, part of Exact Sciences
Classification: Likely pathogenic for SEC23B-related condition. Last evaluated: 2026-03-23. Review status: criteria provided, single submitter. Criteria: ACMG Guidelines, 2015. Collection method: clinical testing. Allele origin: germline.
Comment: The SEC23B c.53G>A variant is predicted to result in the amino acid substitution p.Arg18His. This variant has previously been reported along with a second SEC23B variant in individuals with congenital dyserythropoietic anemia type II (Table S3, Schwarz et al. 2009. PubMed ID: 19561605; Table S3, Bianchi et al. 2016. PubMed ID: 27471141). Additionally, a different missense variant affecting this amino acid (p.Arg18Cys) has been reported with another pathogenic SEC23B variant in an individual with congenital dyserythropoietic anemia type II (Table S3, Bianchi et al. 2016. PubMed ID: 27471141). This variant is reported in 0.0035% of alleles in individuals of European (Non-Finnish) descent in gnomAD and is classified as likely pathogenic by a majority of submitters in ClinVar (Variation ID: 1701418). This variant is interpreted as likely pathogenic.

Labcorp Genetics (formerly Invitae), Labcorp
Classification: Likely pathogenic for Congenital dyserythropoietic anemia, type II; Cowden syndrome 7. Last evaluated: 2025-11-16. Review status: criteria provided, single submitter. Criteria: Invitae Variant Classification Sherloc (09022015). Collection method: clinical testing. Allele origin: germline.
Comment: This sequence change replaces arginine, which is basic and polar, with histidine, which is basic and polar, at codon 18 of the SEC23B protein (p.Arg18His). This variant is present in population databases (no rsID available, gnomAD 0.003%). This missense change has been observed in individuals with dyserythropoietic anemia type 2 (PMID: 19561605, 27471141). ClinVar contains an entry for this variant (Variation ID: 1701418). Invitae Evidence Modeling of protein sequence and biophysical properties (such as structural, functional, and spatial information, amino acid conservation, physicochemical variation, residue mobility, and thermodynamic stability) indicates that this missense variant is expected to disrupt SEC23B protein function with a positive predictive value of 95%. This variant disrupts the p.Arg18 amino acid residue in SEC23B. Other variant(s) that disrupt this residue have been observed in individuals with SEC23B-related conditions (PMID: 27471141), which suggests that this may be a clinically significant amino acid residue. In summary, the currently available evidence indicates that the variant is pathogenic, but additional data are needed to prove that conclusively. Therefore, this variant has been classified as Likely Pathogenic.

Women's Health and Genetics/Laboratory Corporation of America, LabCorp
Classification: Likely pathogenic for Congenital dyserythropoietic anemia, type II. Last evaluated: 2025-06-06. Review status: criteria provided, single submitter. Criteria: LabCorp Variant Classification Summary - May 2015. Collection method: clinical testing. Allele origin: germline.
Comment: Variant summary: SEC23B c.53G>A (p.Arg18His) results in a non-conservative amino acid change in the encoded protein sequence. Algorithms developed to predict the effect of missense changes on protein structure and function all suggest that this variant is likely to be disruptive. The variant allele was found at a frequency of 2e-05 in 251472 control chromosomes. c.53G>A has been observed in multiple compound heterozygous individuals affected with Congenital dyserythropoietic anemia, type II (e.g. Iolascon_2010, Schwarz_2009, Bianchi_2016, Russo_2014). These data indicate that the variant is likely to be associated with disease. To our knowledge, no experimental evidence demonstrating an impact on protein function has been reported. The following publications have been ascertained in the context of this evaluation (PMID: 20015893, 19561605, 27471141, 25044164). ClinVar contains an entry for this variant (Variation ID: 1701418). Based on the evidence outlined above, the variant was classified as likely pathogenic.

CeGaT Center for Human Genetics Tuebingen
Classification: Likely pathogenic. Last evaluated: 2024-12-01. Review status: criteria provided, single submitter. Criteria: CeGaT Center For Human Genetics Tuebingen Variant Classification Criteria Version 2. Collection method: clinical testing. Allele origin: germline. Affected: yes. Observed: 3 variant alleles.
Comment: SEC23B: PM2, PM5, PP3, PP4

Blueprint Genetics
Classification: Uncertain significance. Last evaluated: 2024-10-31. Review status: criteria provided, single submitter. Criteria: ACMG Guidelines, 2015. Collection method: clinical testing. Allele origin: germline.

Victorian Clinical Genetics Services, Murdoch Childrens Research Institute
Classification: Pathogenic for Congenital dyserythropoietic anemia, type II. Last evaluated: 2024-10-08. Review status: criteria provided, single submitter. Criteria: ACMG Guidelines, 2015. Collection method: clinical testing. Allele origin: germline. Inheritance: Autosomal recessive inheritance. Affected: yes.
Comment: Based on the classification scheme VCGS_Germline_v1.3.4, this variant is classified as Pathogenic. Following criteria are met: 0102 - Loss of function is a known mechanism of disease in this gene and is associated with Congenital dyserythropoietic anaemia type II (CDA; MIM#224100). (I) 0106 - This gene is associated with autosomal recessive disease. (I) 0200 - Variant is predicted to result in a missense amino acid change from arginine to histidine. (I) 0251 - This variant is heterozygous. (I) 0304 - Variant is present in gnomAD <0.01 for a recessive condition (v3: 7 heterozygotes, 0 homozygotes). (SP) 0309 - An alternative amino acid change at the same position has been observed in gnomAD (highest allele count v3: 3 heterozygotes, 0 homozygotes). (I) 0501 - Missense variant consistently predicted to be damaging by multiple in silico tools or highly conserved with a major amino acid change. (SP) 0604 - Variant is not located in an established domain, motif, hotspot or informative constraint region. (I) 0704 - Another missense variant comparable to the one identified in this case has limited previous evidence for pathogenicity. p.(Arg18Cys) has been reported in an individual with CDA and compound heterozygous with p.(Arg14Trp) (PMID: 27471141). (SP) 0802 - This variant has moderate previous evidence of pathogenicity in unrelated individuals. It has been reported in at least four compound heterozygous individuals with CDA (PMID: 20015893, 25044164, 27471141). In addition, it has been classified as a variant of uncertain significance and likely pathogenic by diagnostic laboratories in ClinVar. (SP) 1007 - No published functional evidence has been identified for this variant. (I) 1101 - Very strong and specific phenotype match for this individual. (SP) 1201 - Heterozygous variant detected in trans with a second pathogenic heterozygous variant (NM_006363.6(SEC23B):c.279+2T>C) in a recessive disease. (I) Legend: (SP) - Supporting pathogenic, (I) - Information, (SB) - Supporting benign

GeneDx
Classification: Likely pathogenic. Last evaluated: 2024-08-26. Review status: criteria provided, single submitter. Criteria: GeneDx Variant Classification Process June 2021. Collection method: clinical testing. Allele origin: germline. Affected: yes.
Comment: Observed in patients with features of congenital dyserythropoietic anemia type II who also possessed a second SEC23B variant (PMID: 19561605, 27471141, 20015893); Not observed at significant frequency in large population cohorts (gnomAD); In silico analysis supports that this missense variant has a deleterious effect on protein structure/function; This variant is associated with the following publications: (PMID: 19561605, 20015893, 27471141, 31104444, Melanie2012[poster])

Fulgent Genetics
Classification: Likely pathogenic for Congenital dyserythropoietic anemia, type II; Cowden syndrome 7. Last evaluated: 2024-04-04. Review status: criteria provided, single submitter. Criteria: ACMG Guidelines, 2015. Collection method: clinical testing. Allele origin: germline.

Revvity Omics, Revvity
Classification: Likely pathogenic. Last evaluated: 2024-03-19. Review status: criteria provided, single submitter. Criteria: ACMG Guidelines, 2015. Collection method: clinical testing. Allele origin: germline.

Institute for Genomic Medicine (IGM) Clinical Laboratory, Nationwide Children's Hospital
Classification: Uncertain significance for Cowden syndrome 7. Last evaluated: 2022-10-21. Review status: criteria provided, single submitter. Criteria: ACMG Guidelines, 2015. Collection method: clinical testing. Allele origin: germline.
Comment: This variant is absent from or present at an exceedingly low frequency in gnomAD, a large-scale control population database (ACMG/AMP: PM2). This variant has been observed in trans with a pathogenic variant (ACMG/AMP: PM3; PMIDs:19561605, 20015893). This variant is predicted to alter protein function or structure, or disrupt splicing by multiple in silico tools (ACMG/AMP: PP3).

Juno Genomics, Hangzhou Juno Genomics, Inc
Classification: Likely pathogenic for Cowden syndrome 7; Congenital dyserythropoietic anemia, type II. Review status: criteria provided, single submitter. Criteria: ACMG Guidelines, 2015. Collection method: clinical testing. Allele origin: germline.
Comment: Absent from controls (or at extremely low frequency if recessive) in Genome Aggregation Database.;Multiple lines of computational evidence support a deleterious effect on the gene or gene product.;For recessive disorders, detected in trans with a pathogenic variant.;Patient's phenotype or family history is highly specific for a disease with a single genetic etiology.

Literature cited by the submitters: PubMed 19561605 (cited by 3 submitters); PubMed 27471141 (cited by 3 submitters); PubMed 20015893 (cited by 3 submitters); PubMed 25044164 (cited by Women's Health and Genetics/Laboratory Corporation of America, LabCorp and Victorian Clinical Genetics Services, Murdoch Childrens Research Institute).